The following is an entry in ClinVar:

NM_001354930.2(RIPK1):c.472G>A (p.Gly158Ser)

Gene: RIPK1 (receptor interacting serine/threonine kinase 1; plus strand). Cytogenetic location: 6p25.2.
Variant type: single nucleotide variant.
Coding change: c.472G>A on transcript NM_001354930.2 (MANE Select); coding-DNA position 472, G replaced by A.
Protein change: p.Gly158Ser; replaces glycine 158 with serine.
Molecular consequence: missense variant. On other transcripts: 5 prime UTR variant (4).
Genome position (GRCh38, 1-based): chr6:3,083,097, G>A. VCF-style: chr6-3083097-G-A. GRCh37 (hg19) VCF-style: chr6-3083331-G-A.
Other names: c.-18G>A (NM_001317061.3, NM_001354932.2, NM_001354933.2 and 1 more transcripts); c.334G>A, p.Gly112Ser (NM_001354931.2); c.472G>A, p.Gly158Ser (NM_003804.6); c.472G>A (NM_003804.3); short protein forms G112S, G158S.
Identifiers: ClinVar variation 1426866 (VCV001426866.8), dbSNP rs141642283, ClinGen allele CA3618207.

ClinVar aggregate classification (germline): Uncertain significance. Review status: criteria provided, multiple submitters, no conflicts (2 of 4 stars). 3 submissions from 3 submitters: Uncertain significance (3). Last evaluated 2025-03-07.

Conditions:
Inborn genetic diseases. Identifiers: MedGen C0950123, MeSH D030342.

Allele frequency attached by ClinVar (database versions not stated): gnomAD exomes 0.00001 and 0.00003; gnomAD 0.00003 and 0.00004; TOPMed 0.00004; ExAC 0.00006.
gnomAD v4.1: 23 of 1,613,768 alleles (0.0014%); highest among the groups gnomAD compares: African/African-American, 0.0067%; no homozygotes.

Submissions (3):

Labcorp Genetics (formerly Invitae), Labcorp
Classification: Uncertain significance. Last evaluated: 2025-03-07. Review status: criteria provided, single submitter. Criteria: Invitae Variant Classification Sherloc (09022015). Collection method: clinical testing. Allele origin: germline.
Comment: This sequence change replaces glycine, which is neutral and non-polar, with serine, which is neutral and polar, at codon 158 of the RIPK1 protein (p.Gly158Ser). This variant is present in population databases (rs141642283, gnomAD 0.007%). This variant has not been reported in the literature in individuals affected with RIPK1-related conditions. ClinVar contains an entry for this variant (Variation ID: 1426866). An algorithm developed to predict the effect of missense changes on protein structure and function (PolyPhen-2) suggests that this variant is likely to be disruptive. In summary, the available evidence is currently insufficient to determine the role of this variant in disease. Therefore, it has been classified as a Variant of Uncertain Significance.

Ambry Genetics
Classification: Uncertain significance for Inborn genetic diseases. Last evaluated: 2023-01-06. Review status: criteria provided, single submitter. Criteria: Ambry Variant Classification Scheme 2023. Collection method: clinical testing. Allele origin: germline.

Clinical Genetics Laboratory, Skane University Hospital Lund
Classification: Uncertain significance. Last evaluated: 2022-12-16. Review status: criteria provided, single submitter. Criteria: ACMG Guidelines, 2015. Collection method: clinical testing. Allele origin: germline. Affected: yes.